The following is an entry in ClinVar:

ClinVar aggregate classification (germline): Pathogenic (1 of 4 stars; one submission).

Submission:

Quest Diagnostics Nichols Institute San Juan Capistrano
Classification: Pathogenic. Last evaluated: 2025-06-27. Review status: criteria provided, single submitter. Criteria: ACMG/ClinGen CNV Guidelines, 2019. Collection method: clinical testing. Allele origin: unknown.
Comment: This duplication involves at least 38 protein-coding genes, including TBX1 (OMIM 602054). This recurrent duplication of 22q11.2 extending from low copy number repeats (LCRs) A to C is associated with 22q11.2 duplication syndrome (OMIM 608363; ISCA-37446; Bartik 2022), which is characterized by a broad range of features. However, clinical presentation is highly variable, even within families, and a proportion of these duplications are inherited from an unaffected parent, suggesting incomplete penetrance. Therefore, this copy number variant (CNV) is classified as pathogenic, with incomplete penetrance and variable expressivity. References: Bartik et al., Am J Med Genet A. 2022 Mar;188(3):779-787. PMID: 34845825

GRCh37/hg19 22q11.21(chr22:18970561-21040836)x3

Genes: CLDN5 (claudin 5; minus strand), CLTCL1 (clathrin heavy chain like 1; minus strand), RTN4R (reticulon 4 receptor; minus strand), SCARF2 (scavenger receptor class F member 2; minus strand), SEPTIN5 (septin 5; plus strand) and 31 more. Cytogenetic location: 22q11.21.
Variant type: copy number gain.
Change: copy number 3 (three copies instead of two) of chr22:18,970,561-21,040,836 (2.07 Mb, GRCh37 coordinates, 1-based), cytogenetic band 22q11.21.
Identifiers: ClinVar variation 816201 (VCV000816201.3).